The following is an entry in ClinVar:

ClinVar aggregate classification (germline): Uncertain significance. Review status: criteria provided, multiple submitters, no conflicts (2 of 4 stars). 2 submissions from 2 submitters: Uncertain significance (2). Last evaluated 2025-11-26.

Allele frequency attached by ClinVar (database versions not stated): gnomAD exomes below 0.00001.

Submissions (2):

Ambry Genetics
Classification: Uncertain significance. Last evaluated: 2025-11-26. Review status: criteria provided, single submitter. Criteria: Ambry Variant Classification Scheme 2023. Collection method: clinical testing. Allele origin: germline.

Labcorp Genetics (formerly Invitae), Labcorp
Classification: Uncertain significance. Last evaluated: 2023-03-02. Review status: criteria provided, single submitter. Criteria: Invitae Variant Classification Sherloc (09022015). Collection method: clinical testing. Allele origin: germline.
Comment: In summary, the available evidence is currently insufficient to determine the role of this variant in disease. Therefore, it has been classified as a Variant of Uncertain Significance. This variant is not present in population databases (gnomAD no frequency). This variant has not been reported in the literature in individuals affected with CEP250-related conditions. ClinVar contains an entry for this variant (Variation ID: 2135552). Algorithms developed to predict the effect of missense changes on protein structure and function output the following: SIFT: "Not Available"; PolyPhen-2: "Benign"; Align-GVGD: "Not Available". The lysine amino acid residue is found in multiple mammalian species, which suggests that this missense change does not adversely affect protein function. This sequence change replaces arginine, which is basic and polar, with lysine, which is basic and polar, at codon 398 of the CEP250 protein (p.Arg398Lys).

NM_007186.6(CEP250):c.1193G>A (p.Arg398Lys)

Genes: CEP250 (centrosomal protein 250; plus strand), CEP250-AS1 (CEP250 antisense RNA 1; minus strand). Cytogenetic location: 20q11.22.
Variant type: single nucleotide variant.
Coding change: c.1193G>A on transcript NM_007186.6 (MANE Select); coding-DNA position 1193, G replaced by A.
Protein change: p.Arg398Lys; replaces arginine 398 with lysine.
Molecular consequence: missense variant. On other transcripts: 5 prime UTR variant (1).
Genome position (GRCh38, 1-based): chr20:35,472,815, G>A. VCF-style: chr20-35472815-G-A. GRCh37 (hg19) VCF-style: chr20-34060640-G-A.
Other names: c.1193G>A (NM_007186.3); c.-707G>A (NM_001318219.1); short protein forms R398K.
Identifiers: ClinVar variation 2135552 (VCV002135552.5), dbSNP rs2515669496, ClinGen allele CA408759746.